The following is an entry in ClinVar:

NM_002528.7(NTHL1):c.208G>C (p.Gly70Arg)

Gene: NTHL1 (nth like DNA glycosylase 1; minus strand). Cytogenetic location: 16p13.3.
Variant type: single nucleotide variant.
Coding change: c.208G>C on transcript NM_002528.7 (MANE Select); coding-DNA position 208, G replaced by C.
Protein change: p.Gly70Arg; replaces glycine 70 with arginine.
Molecular consequence: missense variant. On other transcripts: intron variant (1).
Genome position (GRCh38, 1-based): chr16:2,046,274, C>G on the plus strand (G>C on the coding strand, the complement: NTHL1 is on the minus strand). VCF-style: chr16-2046274-C-G. GRCh37 (hg19) VCF-style: chr16-2096275-C-G.
Other names: c.208G>C, p.Gly70Arg (NM_001318193.2); c.24+6G>C (NM_001318194.2); short protein forms G70R.
Identifiers: ClinVar variation 3408205 (VCV003408205.1).

ClinVar aggregate classification (germline): Uncertain significance (1 of 4 stars; one submission).

Conditions:
Hereditary cancer-predisposing syndrome. Also called: Neoplastic Syndromes, Hereditary; Tumor predisposition; Hereditary Cancer Syndrome; Hereditary neoplastic syndrome. Identifiers: Orphanet 140162, MedGen C0027672, MeSH D009386, MONDO:0015356.

Submission:

Ambry Genetics
Classification: Uncertain significance for Hereditary cancer-predisposing syndrome. Last evaluated: 2024-07-13. Review status: criteria provided, single submitter. Criteria: Ambry Variant Classification Scheme 2023. Collection method: clinical testing. Allele origin: germline.
Comment: The p.G78R variant (also known as c.232G>C), located in coding exon 2 of the NTHL1 gene, results from a G to C substitution at nucleotide position 232. The glycine at codon 78 is replaced by arginine, an amino acid with dissimilar properties. This amino acid position is conserved. In addition, this alteration is predicted to be tolerated by in silico analysis. Based on the available evidence, the clinical significance of this variant remains unclear.